The following is an entry in ClinVar:

NM_000492.4(CFTR):c.1324A>T (p.Lys442Ter)

Genes: CFTR (CF transmembrane conductance regulator; plus strand), CFTR-AS1 (CFTR antisense RNA 1; minus strand). Cytogenetic location: 7q31.2.
Variant type: single nucleotide variant.
Coding change: c.1324A>T on transcript NM_000492.4 (MANE Select); coding-DNA position 1324, A replaced by T.
Protein change: p.Lys442Ter; replaces lysine 442 with a stop codon.
Molecular consequence: nonsense.
Genome position (GRCh38, 1-based): chr7:117,548,755, A>T. VCF-style: chr7-117548755-A-T. GRCh37 (hg19) VCF-style: chr7-117188809-A-T.
Other names: short protein forms K442*.
Identifiers: ClinVar variation 662942 (VCV000662942.8), dbSNP rs1584793546, ClinGen allele CA368982007.
Genomic context (GRCh38, chr7:117,548,755, plus strand): 5'-TCTAATGGTGATGACAGCCTCTTCTTCAGTAATTTCTCACTTCTTGGTACTCCTGTCCTG[A>T]AAGATATTAATTTCAAGATAGAAAGAGGACAGTTGTTGGCGGTTGCTGGATCCACTGGAG-3'

ClinVar aggregate classification (germline): Pathogenic (1 of 4 stars; one submission).

Conditions:
Cystic fibrosis (CF). Also called: MUCOVISCIDOSIS. Identifiers: Orphanet 586, MedGen C0010674, MONDO:0009061, OMIM 219700. Disease mechanism: loss of function.

Submission:

Labcorp Genetics (formerly Invitae), Labcorp
Classification: Pathogenic for Cystic fibrosis. Last evaluated: 2018-08-27. Review status: criteria provided, single submitter. Criteria: Invitae Variant Classification Sherloc (09022015). Collection method: clinical testing. Allele origin: germline.
Comment: This sequence change creates a premature translational stop signal (p.Lys442*) in the CFTR gene. It is expected to result in an absent or disrupted protein product. This variant is not present in population databases (ExAC no frequency). This variant has been observed in an individual affected with cystic fibrosis (PMID: 25910067). Loss-of-function variants in CFTR are known to be pathogenic (PMID: 1695717, 7691345, 9725922). For these reasons, this variant has been classified as Pathogenic.

Literature cited by the submitters: PubMed 25910067; PubMed 1695717; PubMed 7691345; PubMed 9725922.